The following is an entry in ClinVar:

ClinVar aggregate classification (germline): Conflicting classifications of pathogenicity. Review status: criteria provided, conflicting classifications (1 of 4 stars). 3 submissions from 1 submitter: Uncertain significance (1); Likely benign (2). Last evaluated 2018-01-12.

Conditions:
Renal-hepatic-pancreatic dysplasia 1 (RHPD1). Identifiers: MedGen C3715199, MONDO:0008833, OMIM 208540.
NPHP3-related Meckel-like syndrome. Also called: GOLDSTON SYNDROME; Meckel syndrome type 7. Identifiers: Orphanet 3032, MedGen C2673885, MONDO:0009966, OMIM 267010.
Nephronophthisis 3 (NPHP3). Also called: Adolescent nephronophthisis. Identifiers: Orphanet 655, MedGen C1858392, MONDO:0011456, OMIM 604387.

Allele frequency attached by ClinVar (database versions not stated): gnomAD 0.00063 and 0.00064; TOPMed 0.00097; 1000 Genomes Project 0.00140; 1000 Genomes Project 30x 0.00141.

Submissions (3):

Illumina Laboratory Services, Illumina
Classification: Likely benign for Renal-hepatic-pancreatic dysplasia 1. Last evaluated: 2018-01-12. Review status: criteria provided, single submitter. Criteria: ICSL Variant Classification Criteria 13 December 2019. Collection method: clinical testing. Allele origin: germline.
Comment: This variant was observed in the ICSL laboratory as part of a predisposition screen in an ostensibly healthy population. It had not been previously curated by ICSL or reported in the Human Gene Mutation Database (HGMD: prior to June 1st, 2018), and was therefore a candidate for classification through an automated scoring system. Utilizing variant allele frequency, disease prevalence and penetrance estimates, and inheritance mode, an automated score was calculated to assess if this variant is too frequent to cause the disease. Based on the score and internal cut-off values, a variant classified as likely benign is not then subjected to further curation. The score for this variant resulted in a classification of likely benign for this disease.

Illumina Laboratory Services, Illumina
Classification: Uncertain significance for NPHP3-related Meckel-like syndrome. Last evaluated: 2018-01-12. Review status: criteria provided, single submitter. Criteria: ICSL Variant Classification Criteria 13 December 2019. Collection method: clinical testing. Allele origin: germline.

Illumina Laboratory Services, Illumina
Classification: Likely benign for Nephronophthisis 3. Last evaluated: 2018-01-12. Review status: criteria provided, single submitter. Criteria: ICSL Variant Classification Criteria 13 December 2019. Collection method: clinical testing. Allele origin: germline.
Comment: the same text as in the submission from Illumina Laboratory Services, Illumina above.

NM_153240.5(NPHP3):c.*1176G>A

Genes: NPHP3-ACAD11 (NPHP3-ACAD11 readthrough (NMD candidate); minus strand), NPHP3 (nephrocystin 3; minus strand). Cytogenetic location: 3q22.1.
Variant type: single nucleotide variant.
Coding change: c.*1176G>A on transcript NM_153240.5 (MANE Select); 1176 bases downstream of the stop codon, G replaced by A.
Molecular consequence: 3 prime UTR variant.
Genome position (GRCh38, 1-based): chr3:132,680,734, C>T on the plus strand (G>A on the coding strand, the complement: NPHP3 is on the minus strand). VCF-style: chr3-132680734-C-T. GRCh37 (hg19) VCF-style: chr3-132399578-C-T.
Identifiers: ClinVar variation 343353 (VCV000343353.5), dbSNP rs183658380, ClinGen allele CA10617378.